The following is an entry in ClinVar:

NM_032856.5(WDR73):c.926ATGGAACACGGAGCCAAG[3] (p.309DGTRSQ[3])

Gene: WDR73 (WD repeat domain 73; minus strand). Cytogenetic location: 15q25.2.
Variant type: Microsatellite.
Coding change: c.926ATGGAACACGGAGCCAAG[3] on transcript NM_032856.5 (MANE Select); three copies in a row of the 18-base unit ATGGAACACGGAGCCAAG starting at c.926; the reference has two copies in a row; one copy, 18 bases duplicated; also written c.944_961dup.
Protein change: p.309DGTRSQ[3].
Molecular consequence: inframe insertion. On other transcripts: non-coding transcript variant (4).
Genome position (GRCh38, 1-based): chr15:84,643,646-84,643,663, CTTGGCTCCGTGTTCCAT duplicated on the plus strand (ATGGAACACGGAGCCAAG on the coding strand, the reverse complement: WDR73 is on the minus strand); duplicating any 18 consecutive bases within chr15:84,643,646-84,643,682 gives the same sequence; the position shown is the placement nearest the transcript's 3' end. VCF-style (leftmost placement, unchanged base first): chr15-84643645-A-ACTTGGCTCCGTGTTCCAT. GRCh37 (hg19) VCF-style: chr15-85186876-A-ACTTGGCTCCGTGTTCCAT.
Other names: c.944_961dup (NM_032856.4, NM_032856.5).
Identifiers: ClinVar variation 1219713 (VCV001219713.7), dbSNP rs11267906, ClinGen allele CA7707174.

ClinVar aggregate classification (germline): Uncertain significance. Review status: criteria provided, multiple submitters, no conflicts (2 of 4 stars). 3 submissions from 3 submitters: Uncertain significance (3). Last evaluated 2022-06-29.

Conditions:
Galloway-Mowat syndrome 1 (GAMOS1). Identifiers: Orphanet 2065, Orphanet 83472, MedGen C4551772, MONDO:0033005, OMIM 251300.

Submissions (3):

Revvity Omics, Revvity
Classification: Uncertain significance for Galloway-Mowat syndrome 1. Last evaluated: 2022-06-29. Review status: criteria provided, single submitter. Criteria: ACMG Guidelines, 2015. Collection method: clinical testing. Allele origin: germline.

Fulgent Genetics
Classification: Uncertain significance for Galloway-Mowat syndrome 1. Last evaluated: 2022-01-20. Review status: criteria provided, single submitter. Criteria: ACMG Guidelines, 2015. Collection method: clinical testing. Allele origin: unknown.

GeneDx
Classification: Uncertain significance. Last evaluated: 2020-07-08. Review status: criteria provided, single submitter. Criteria: GeneDx Variant Classification Process June 2021. Collection method: clinical testing. Allele origin: germline. Affected: yes.
Comment: Has not been previously published as pathogenic or benign to our knowledge; In-frame insertion of 6 amino acids in a non-repeat region